The following is an entry in ClinVar:

ClinVar aggregate classification (germline): Uncertain significance (1 of 4 stars; one submission).

Conditions:
Hereditary spastic paraplegia 11. Also called: Spastic paraplegia, mental retardation and thin corpus callosum; SPASTIC PARAPLEGIA, AUTOSOMAL RECESSIVE, COMPLICATED, WITH THIN CORPUS CALLOSUM; SPASTIC PARAPLEGIA, AUTOSOMAL RECESSIVE, WITH MENTAL IMPAIRMENT AND THIN CORPUS CALLOSUM; Nakamura Osame syndrome; Autosomal recessive hereditary spastic paraplegia, mental impairment, and thin corpus callosum; Spastic Paraplegia 11. Identifiers: Orphanet 2822, MedGen C1858479, MONDO:0011445, OMIM 604360.

Submission:

Labcorp Genetics (formerly Invitae), Labcorp
Classification: Uncertain significance for Hereditary spastic paraplegia 11. Last evaluated: 2019-07-24. Review status: criteria provided, single submitter. Criteria: Invitae Variant Classification Sherloc (09022015). Collection method: clinical testing. Allele origin: germline.
Comment: In summary, the available evidence is currently insufficient to determine the role of this variant in disease. Therefore, it has been classified as a Variant of Uncertain Significance. Algorithms developed to predict the effect of missense changes on protein structure and function (SIFT, PolyPhen-2, Align-GVGD) all suggest that this variant is likely to be tolerated, but these predictions have not been confirmed by published functional studies and their clinical significance is uncertain. This variant has not been reported in the literature in individuals with SPG11-related disease. This variant is not present in population databases (ExAC no frequency). This sequence change replaces glutamine with glutamic acid at codon 64 of the SPG11 protein (p.Gln64Glu). The glutamine residue is moderately conserved and there is a small physicochemical difference between glutamine and glutamic acid.

NM_025137.4(SPG11):c.190C>G (p.Gln64Glu)

Gene: SPG11 (SPG11 vesicle trafficking associated, spatacsin; minus strand). Cytogenetic location: 15q21.1.
Variant type: single nucleotide variant.
Coding change: c.190C>G on transcript NM_025137.4 (MANE Select); coding-DNA position 190, C replaced by G.
Protein change: p.Gln64Glu; replaces glutamine 64 with glutamic acid.
Molecular consequence: missense variant.
Genome position (GRCh38, 1-based): chr15:44,663,458, G>C on the plus strand (C>G on the coding strand, the complement: SPG11 is on the minus strand). VCF-style: chr15-44663458-G-C. GRCh37 (hg19) VCF-style: chr15-44955656-G-C.
Other names: c.190C>G, p.Gln64Glu (NM_001160227.2); short protein forms Q64E.
Identifiers: ClinVar variation 571540 (VCV000571540.10), dbSNP rs1566838280, ClinGen allele CA392238610.
Genomic context (GRCh38, chr15:44,663,458, plus strand): 5'-AGGGGCCCTCCAGGCAGCAGCGACCCCCGCCCCGGCTGCCAGGCGTCAAAGAAAGCACTT[G>C]GAGGCTGCCCGCAGCCGTCAGGCTCCCCAGAGCCTCCGGCTGTGTGCGCAGCTGCGCCCG-3'
Protein context (NP_079413.3, residues 54-74): LGSLTAAGSL[Gln64Glu]VLSLTPGSRG